The following is an entry in ClinVar:

NM_001135649.3(FOXI3):c.254C>G (p.Pro85Arg)

Gene: FOXI3 (forkhead box I3; minus strand). Cytogenetic location: 2p11.2.
Variant type: single nucleotide variant.
Coding change: c.254C>G on transcript NM_001135649.3 (MANE Select); coding-DNA position 254, C replaced by G.
Protein change: p.Pro85Arg; replaces proline 85 with arginine.
Molecular consequence: missense variant.
Genome position (GRCh38, 1-based): chr2:88,452,282, G>C on the plus strand (C>G on the coding strand, the complement: FOXI3 is on the minus strand). VCF-style: chr2-88452282-G-C. GRCh37 (hg19) VCF-style: chr2-88751800-G-C.
Other names: short protein forms P85R.
Identifiers: ClinVar variation 1510634 (VCV001510634.6), dbSNP rs1008353288, ClinGen allele CA51944242.

ClinVar aggregate classification (germline): Uncertain significance (1 of 4 stars; one submission).

Allele frequency attached by ClinVar (database versions not stated): gnomAD exomes below 0.00001; gnomAD 0.00002; TOPMed 0.00002.
gnomAD v4.1: 6 of 983,232 alleles (0.00061%); highest among the groups gnomAD compares: Non-Finnish European, 0.00024%; no homozygotes.

Submission:

Labcorp Genetics (formerly Invitae), Labcorp
Classification: Uncertain significance. Last evaluated: 2025-10-29. Review status: criteria provided, single submitter. Criteria: Invitae Variant Classification Sherloc (09022015). Collection method: clinical testing. Allele origin: germline.
Comment: This sequence change replaces proline, which is neutral and non-polar, with arginine, which is basic and polar, at codon 85 of the FOXI3 protein (p.Pro85Arg). The frequency data for this variant in the population databases is considered unreliable, as metrics indicate insufficient coverage at this position in the gnomAD database. This variant has not been reported in the literature in individuals affected with FOXI3-related conditions. ClinVar contains an entry for this variant (Variation ID: 1510634). Experimental studies and prediction algorithms are not available or were not evaluated, and the functional significance of this variant is currently unknown. In summary, the available evidence is currently insufficient to determine the role of this variant in disease. Therefore, it has been classified as a Variant of Uncertain Significance.